The following is an entry in ClinVar:

ClinVar aggregate classification (germline): Likely pathogenic (1 of 4 stars; one submission).

Conditions:
Hereditary cancer-predisposing syndrome. Also called: Hereditary Cancer Syndrome; Tumor predisposition; Hereditary neoplastic syndrome; Neoplastic Syndromes, Hereditary. Identifiers: Orphanet 140162, MedGen C0027672, MeSH D009386, MONDO:0015356.

Submission:

Ambry Genetics
Classification: Likely pathogenic for Hereditary cancer-predisposing syndrome. Last evaluated: 2024-07-17. Review status: criteria provided, single submitter. Criteria: Ambry Variant Classification Scheme 2023. Collection method: clinical testing. Allele origin: germline.
Comment: The p.T251P variant (also known as c.751A>C), located in coding exon 3 of the MEN1 gene, results from an A to C substitution at nucleotide position 751. The threonine at codon 251 is replaced by proline, an amino acid with highly similar properties. This variant has been observed in at least one individual with a personal and family history that is consistent with Multiple endocrine neoplasia type 1 (Ambry internal data). Based on internal structural analysis, this variant is anticipated to reduce structural stability (Huang J et al. Nature. 2012 Feb;482:542-6). In addition, this alteration is predicted to be deleterious by in silico analysis. Based on the majority of available evidence to date, this variant is likely to be pathogenic.

NM_001370259.2(MEN1):c.751A>C (p.Thr251Pro)

Gene: MEN1 (menin 1; minus strand). Cytogenetic location: 11q13.1.
Variant type: single nucleotide variant.
Coding change: c.751A>C on transcript NM_001370259.2 (MANE Select); coding-DNA position 751, A replaced by C.
Protein change: p.Thr251Pro; replaces threonine 251 with proline.
Molecular consequence: missense variant. On other transcripts: non-coding transcript variant (4).
Genome position (GRCh38, 1-based): chr11:64,807,584, T>G on the plus strand (A>C on the coding strand, the complement: MEN1 is on the minus strand). VCF-style: chr11-64807584-T-G. GRCh37 (hg19) VCF-style: chr11-64575056-T-G.
Other names: c.766A>C, p.Thr256Pro (NM_000244.4, NM_001407145.1, NM_001407150.1 and 5 more transcripts); c.751A>C, p.Thr251Pro (NM_001370251.2, NM_001370260.2, NM_001370261.2 and 7 more transcripts); c.646A>C, p.Thr216Pro (NM_001370262.2, NM_001370263.2, NM_001407148.1 and 2 more transcripts); short protein forms T251P, T256P, T216P.
Identifiers: ClinVar variation 3394944 (VCV003394944.1).